The following is an entry in ClinVar:

NM_001267550.2(TTN):c.17612_17613insAAAAATATAAAAT (p.Ile5871_Ser5872insLysIleTer)

Genes: TTN (titin; minus strand), LOC126806431 (CDK7 strongly-dependent group 2 enhancer GRCh37_chr2:179595719-179596918; plus strand). Cytogenetic location: 2q31.2.
Variant type: Insertion.
Coding change: c.17612_17613insAAAAATATAAAAT on transcript NM_001267550.2 (MANE Select); coding-DNA positions 17612 to 17613, AAAAATATAAAAT inserted.
Protein change: p.Ile5871_Ser5872insLysIleTer.
Molecular consequence: nonsense, inframe insertion. On other transcripts: intron variant (3).
Genome position: GRCh38 VCF-style: chr2-178731052-G-GATTTTATATTTTT. GRCh37 (hg19) VCF-style: chr2-179595779-G-GATTTTATATTTTT.
Other names: c.16661_16662insAAAAATATAAAAT, p.Ile5554_Ser5555insLysIleTer (NM_001256850.1); c.13880_13881insAAAAATATAAAAT, p.Ile4627_Ser4628insLysIleTer (NM_133378.4); c.13282+7029_13282+7030insAAAATATAAAATA (NM_003319.4); c.13858+7029_13858+7030insAAAATATAAAATA (NM_133437.4); c.13657+7029_13657+7030insAAAATATAAAATA (NM_133432.3).
Identifiers: ClinVar variation 2116720 (VCV002116720.4), dbSNP rs2530040771, ClinGen allele CA2580065259.

ClinVar aggregate classification (germline): Likely pathogenic (1 of 4 stars; one submission).

Conditions:
Dilated cardiomyopathy 1G (CMD1G). Identifiers: Orphanet 154, MedGen C1858763, MONDO:0011400, OMIM 604145.
Autosomal recessive limb-girdle muscular dystrophy type 2J (LGMDR10). Also called: Limb-girdle muscular dystrophy, type 2J; MUSCULAR DYSTROPHY, LIMB-GIRDLE, AUTOSOMAL RECESSIVE 10. Identifiers: Orphanet 140922, MedGen C1837342, MONDO:0012127, OMIM 608807.

Submission:

Labcorp Genetics (formerly Invitae), Labcorp
Classification: Likely pathogenic for Dilated cardiomyopathy 1G; Autosomal recessive limb-girdle muscular dystrophy type 2J. Last evaluated: 2024-10-18. Review status: criteria provided, single submitter. Criteria: Invitae Variant Classification Sherloc (09022015). Collection method: clinical testing. Allele origin: germline.
Comment: This sequence change creates a premature translational stop signal (p.Ser5872Lysfs*3) in the TTN gene. While this is not anticipated to result in nonsense mediated decay, it is expected to create a truncated TTN protein. This variant is not present in population databases (gnomAD no frequency). This variant has not been reported in the literature in individuals affected with TTN-related conditions. ClinVar contains an entry for this variant (Variation ID: 2116720). Algorithms developed to predict the effect of sequence changes on RNA splicing suggest that this variant may disrupt the consensus splice site. This variant is located in the I band of TTN (PMID: 25589632). Truncating variants in this region have been reported in individuals affected with autosomal recessive centronuclear myopathy (PMID: 23975875, internal data). Truncating variants in this region have also been identified in individuals affected with autosomal dominant dilated cardiomyopathy and/or cardio-related conditions (PMID: 27869827, 32964742, internal data). In summary, the currently available evidence indicates that the variant is pathogenic, but additional data are needed to prove that conclusively. Therefore, this variant has been classified as Likely Pathogenic.

Literature cited by the submitters: PubMed 25589632; PubMed 23975875; PubMed 27869827; PubMed 32964742.